The following is an entry in ClinVar:

NM_000218.3(KCNQ1):c.1999G>A (p.Val667Met)

Genes: KCNQ1-AS1 (KCNQ1 antisense RNA 1; minus strand), KCNQ1 (potassium voltage-gated channel subfamily Q member 1; plus strand). Cytogenetic location: 11p15.4.
Variant type: single nucleotide variant.
Coding change: c.1999G>A on transcript NM_000218.3 (MANE Select); coding-DNA position 1999, G replaced by A.
Protein change: p.Val667Met; replaces valine 667 with methionine.
Molecular consequence: missense variant.
Genome position (GRCh38, 1-based): chr11:2,847,971, G>A. VCF-style: chr11-2847971-G-A. GRCh37 (hg19) VCF-style: chr11-2869201-G-A.
Other names: p.V667M:GTG>ATG; c.1903G>A, p.Val635Met (NM_001406836.1); c.1729G>A, p.Val577Met (NM_001406837.1); c.1459G>A, p.Val487Met (NM_001406838.1); c.511G>A, p.Val171Met (NM_001406839.1); c.1618G>A, p.Val540Met (NM_181798.2); short protein forms V540M, V667M, V487M, V577M, V171M, V635M.
Identifiers: ClinVar variation 200865 (VCV000200865.23), dbSNP rs776119582, ClinGen allele CA006642.

ClinVar aggregate classification (germline): Uncertain significance. Review status: criteria provided, multiple submitters, no conflicts (2 of 4 stars). 6 submissions from 6 submitters: Uncertain significance (6). Last evaluated 2025-04-03.

Conditions:
Cardiovascular phenotype. Identifiers: MedGen CN230736.
Cardiac arrhythmia. Also called: Arrhythmia; Cardiac rhythm disease. Identifiers: MedGen C0003811, MONDO:0007263, HP:0011675.
Long QT syndrome (LQTS). Identifiers: MedGen C0023976, MeSH D008133, MONDO:0002442. Disease mechanism: loss of function. Inheritance: Various modes of inheritance.

Allele frequency attached by ClinVar (database versions not stated): gnomAD 0.00001; gnomAD exomes 0.00001; TOPMed 0.00002; ExAC 0.00014.
gnomAD v4.1: 22 of 1,556,910 alleles (0.0014%); highest among the groups gnomAD compares: East Asian, 0.0047%; no homozygotes.

Submissions (6):

GeneDx
Classification: Uncertain significance. Last evaluated: 2025-04-03. Review status: criteria provided, single submitter. Criteria: GeneDx Variant Classification Process June 2021. Collection method: clinical testing. Allele origin: germline. Affected: yes.
Comment: Not observed at significant frequency in large population cohorts (gnomAD); In silico analysis indicates that this missense variant does not alter protein structure/function; Identified in a patient with long QT syndrome in published literature, however, clinical information was not provided (PMID: 38367891); This variant is associated with the following publications: (PMID: 29420653, 38367891)

Labcorp Genetics (formerly Invitae), Labcorp
Classification: Uncertain significance for Long QT syndrome. Last evaluated: 2024-11-28. Review status: criteria provided, single submitter. Criteria: Invitae Variant Classification Sherloc (09022015). Collection method: clinical testing. Allele origin: germline.
Comment: This sequence change replaces valine, which is neutral and non-polar, with methionine, which is neutral and non-polar, at codon 667 of the KCNQ1 protein (p.Val667Met). The frequency data for this variant in the population databases is considered unreliable, as metrics indicate poor data quality at this position in the gnomAD database. This variant has not been reported in the literature in individuals affected with KCNQ1-related conditions. ClinVar contains an entry for this variant (Variation ID: 200865). Invitae Evidence Modeling of protein sequence and biophysical properties (such as structural, functional, and spatial information, amino acid conservation, physicochemical variation, residue mobility, and thermodynamic stability) has been performed for this missense variant. However, the output from this modeling did not meet the statistical confidence thresholds required to predict the impact of this variant on KCNQ1 protein function. In summary, the available evidence is currently insufficient to determine the role of this variant in disease. Therefore, it has been classified as a Variant of Uncertain Significance.

All of Us Research Program, National Institutes of Health
Classification: Uncertain significance for Long QT syndrome. Last evaluated: 2024-07-10. Review status: criteria provided, single submitter. Criteria: ACMG Guidelines, 2015. Collection method: clinical testing. Allele origin: germline. Inheritance: Autosomal dominant inheritance. Observed: 7 variant alleles, 7 heterozygotes.
Comment: Variant of Uncertain Significance due to insufficient evidence: This missense variant replaces valine with methionine at codon 667 of the KCNQ1 protein. Computational prediction tools and conservation analyses are inconclusive regarding the impact of this variant on the protein function. Computational splicing tools suggest that this variant may not impact RNA splicing. To our knowledge, functional assays have not been performed for this variant nor has this variant been reported in individuals affected with cardiovascular disorders in the literature. This variant has been identified in 6/199604 chromosomes in the general population by the Genome Aggregation Database (gnomAD). Available evidence is insufficient to determine the role of this variant in disease conclusively.

This study involves interpretation of variants in research participants for the purpose of population health screening. Participant phenotype was not available at the time of variant classification. Additional details can be found in publication PMID: 35346344, PMCID: PMC8962531

Color Diagnostics, LLC DBA Color Health
Classification: Uncertain significance for Cardiac arrhythmia. Last evaluated: 2024-06-17. Review status: criteria provided, single submitter. Criteria: ACMG Guidelines, 2015. Collection method: clinical testing. Allele origin: germline.
Comment: This missense variant replaces valine with methionine at codon 667 of the KCNQ1 protein. Computational prediction suggests that this variant may not impact protein structure and function (internally defined REVEL score threshold <= 0.5, PMID: 27666373). To our knowledge, functional studies have not been reported for this variant. This variant has been reported in an individual affected with long QT syndrom (doi:10.35336/VA-2022-1-02). This variant has been identified in 6/199604 chromosomes in the general population by the Genome Aggregation Database (gnomAD). The available evidence is insufficient to determine the role of this variant in disease conclusively. Therefore, this variant is classified as a Variant of Uncertain Significance.

Ambry Genetics
Classification: Uncertain significance for Cardiovascular phenotype. Last evaluated: 2022-09-27. Review status: criteria provided, single submitter. Criteria: Ambry Variant Classification Scheme 2023. Collection method: clinical testing. Allele origin: germline.
Comment: The p.V667M variant (also known as c.1999G>A), located in coding exon 16 of the KCNQ1 gene, results from a G to A substitution at nucleotide position 1999. The valine at codon 667 is replaced by methionine, an amino acid with highly similar properties. This amino acid position is highly conserved in available vertebrate species. In addition, the in silico prediction for this alteration is inconclusive. Since supporting evidence is limited at this time, the clinical significance of this alteration remains unclear.

Blueprint Genetics
Classification: Uncertain significance. Last evaluated: 2021-06-17. Review status: criteria provided, single submitter. Criteria: ACMG Guidelines, 2015. Collection method: clinical testing. Allele origin: germline.

Literature cited by the submitters: PubMed 29420653 (cited by Ambry Genetics).